The following is an entry in ClinVar:

NM_003719.5(PDE8B):c.1289-18T>G

Gene: PDE8B (phosphodiesterase 8B; plus strand). Cytogenetic location: 5q13.3.
Variant type: single nucleotide variant.
Coding change: c.1289-18T>G on transcript NM_003719.5 (MANE Select); 18 bases into the intron before coding-DNA position 1289, T replaced by G.
Molecular consequence: intron variant.
Genome position (GRCh38, 1-based): chr5:77,407,363, T>G. VCF-style: chr5-77407363-T-G. GRCh37 (hg19) VCF-style: chr5-76703188-T-G.
Other names: c.1049-18T>G (NM_001349750.3); c.905-18T>G (NM_001376069.1); c.986-18T>G (NM_001376062.1, NM_001376072.1); c.845-18T>G (NM_001376070.1); c.695-18T>G (NM_001376073.1); c.983-18T>G (NM_001349752.3); c.842-18T>G (NM_001376071.1); c.926-18T>G (NM_001376066.1); and 12 more.
Identifiers: ClinVar variation 1897383 (VCV001897383.5), dbSNP rs1474226787, ClinGen allele CA814123492.

ClinVar aggregate classification (germline): Uncertain significance (1 of 4 stars; one submission).

Allele frequency attached by ClinVar (database versions not stated): TOPMed 0.00001.
gnomAD v4.1: 1 of 1,611,078 alleles (0.000062%); highest among the groups gnomAD compares: Non-Finnish European, 0.000085%; no homozygotes.

Submission:

Labcorp Genetics (formerly Invitae), Labcorp
Classification: Uncertain significance. Last evaluated: 2022-04-25. Review status: criteria provided, single submitter. Criteria: Invitae Variant Classification Sherloc (09022015). Collection method: clinical testing. Allele origin: germline.
Comment: In summary, the available evidence is currently insufficient to determine the role of this variant in disease. Therefore, it has been classified as a Variant of Uncertain Significance. Algorithms developed to predict the effect of sequence changes on RNA splicing suggest that this variant may create or strengthen a splice site. This variant has not been reported in the literature in individuals affected with PDE8B-related conditions. This variant is not present in population databases (gnomAD no frequency). This sequence change falls in intron 12 of the PDE8B gene. It does not directly change the encoded amino acid sequence of the PDE8B protein.